The following is an entry in ClinVar:

ClinVar aggregate classification (germline): Uncertain significance. Review status: criteria provided, single submitter (1 of 4 stars). 2 submissions from 2 submitters: Uncertain significance (1). 1 of the submissions does not count toward it. Last evaluated 2024-07-29.

Conditions:
CEP290-related disorder. Also called: CEP290-related disorders; CEP290-related condition. Identifiers: MedGen CN239314.

gnomAD v4.1: 2 of 1,613,572 alleles (0.00012%); highest among the groups gnomAD compares: Non-Finnish European, 0.00017%; no homozygotes.

Submissions (2):

Blueprint Genetics
Classification: Uncertain significance. Last evaluated: 2024-07-29. Review status: criteria provided, single submitter. Criteria: ACMG Guidelines, 2015. Collection method: clinical testing. Allele origin: germline.

PreventionGenetics, part of Exact Sciences
Classification: Uncertain significance for CEP290-related condition. Last evaluated: 2024-06-19. Review status: no assertion criteria provided. Collection method: clinical testing. Allele origin: germline. Not counted in ClinVar's aggregate classification.
Comment: The CEP290 c.1250A>T variant is predicted to result in the amino acid substitution p.Lys417Ile. To our knowledge, this variant has not been reported in the literature or in a large population database, indicating this variant is rare. At this time, the clinical significance of this variant is uncertain due to the absence of conclusive functional and genetic evidence.

NM_025114.4(CEP290):c.1250A>T (p.Lys417Ile)

Gene: CEP290 (centrosomal protein 290; minus strand). Cytogenetic location: 12q21.32.
Variant type: single nucleotide variant.
Coding change: c.1250A>T on transcript NM_025114.4 (MANE Select); coding-DNA position 1250, A replaced by T.
Protein change: p.Lys417Ile; replaces lysine 417 with isoleucine.
Molecular consequence: missense variant.
Genome position (GRCh38, 1-based): chr12:88,121,106, T>A on the plus strand (A>T on the coding strand, the complement: CEP290 is on the minus strand). VCF-style: chr12-88121106-T-A. GRCh37 (hg19) VCF-style: chr12-88514883-T-A.
Other names: short protein forms K417I.
Identifiers: ClinVar variation 3352872 (VCV003352872.2).